The following is an entry in ClinVar:

ClinVar aggregate classification (germline): Uncertain significance. Review status: criteria provided, multiple submitters, no conflicts (2 of 4 stars). 3 submissions from 3 submitters: Uncertain significance (3). Last evaluated 2024-05-15.

Conditions:
Telangiectasia, hereditary hemorrhagic, type 2 (HHT2). Also called: Telangiectasia, hereditary hemorrhagic, type II; ACVRL1-Related Hereditary Hemorrhagic Telangiectasia. Identifiers: Orphanet 774, MedGen C1838163, MONDO:0010880, OMIM 600376. Disease mechanism: loss of function.

Allele frequency attached by ClinVar (database versions not stated): ExAC 0.00002; gnomAD exomes 0.00002; TOPMed 0.00002; gnomAD 0.00003.

Submissions (3):

Women's Health and Genetics/Laboratory Corporation of America, LabCorp
Classification: Uncertain significance. Last evaluated: 2024-05-15. Review status: criteria provided, single submitter. Criteria: LabCorp Variant Classification Summary - May 2015. Collection method: clinical testing. Allele origin: germline.
Comment: Variant summary: ACVRL1 c.1376C>T (p.Pro459Leu) results in a non-conservative amino acid change located in the Protein kinase domain of the encoded protein sequence. Four of five in-silico tools predict a damaging effect of the variant on protein function. Consensus agreement among computation tools predict no significant impact on normal splicing. However, these predictions have yet to be confirmed by functional studies. The variant allele was found at a frequency of 2.1e-05 in 1613928 control chromosomes. This frequency is not significantly higher than estimated for a pathogenic variant in ACVRL1 causing Hereditary Hemorrhagic Telangiectasia (2.1e-05 vs 3.3e-05), allowing no conclusion about variant significance. c.1376C>T has been reported in the literature in an individual affected with Pulmonary arterial hypertension (Zhu_2019). This report does not provide unequivocal conclusions about association of the variant with Hereditary Hemorrhagic Telangiectasia. To our knowledge, no experimental evidence demonstrating an impact on protein function has been reported. The following publication have been ascertained in the context of this evaluation (PMID: 29631995). ClinVar contains an entry for this variant (Variation ID: 966645). Based on the evidence outlined above, the variant was classified as uncertain significance.

Fulgent Genetics
Classification: Uncertain significance for Telangiectasia, hereditary hemorrhagic, type 2. Last evaluated: 2024-04-11. Review status: criteria provided, single submitter. Criteria: ACMG Guidelines, 2015. Collection method: clinical testing. Allele origin: germline.

Labcorp Genetics (formerly Invitae), Labcorp
Classification: Uncertain significance for Telangiectasia, hereditary hemorrhagic, type 2. Last evaluated: 2021-11-14. Review status: criteria provided, single submitter. Criteria: Invitae Variant Classification Sherloc (09022015). Collection method: clinical testing. Allele origin: germline.
Comment: This sequence change replaces proline, which is neutral and non-polar, with leucine, which is neutral and non-polar, at codon 459 of the ACVRL1 protein (p.Pro459Leu). This variant is present in population databases (rs767764795, gnomAD 0.006%). This missense change has been observed in individual(s) with pulmonary arterial hypertension (PMID: 29631995). ClinVar contains an entry for this variant (Variation ID: 966645). Algorithms developed to predict the effect of missense changes on protein structure and function are either unavailable or do not agree on the potential impact of this missense change (SIFT: "Deleterious"; PolyPhen-2: "Benign"; Align-GVGD: "Class C65"). In summary, the available evidence is currently insufficient to determine the role of this variant in disease. Therefore, it has been classified as a Variant of Uncertain Significance.

Literature cited by the submitters: PubMed 29631995 (cited by Women's Health and Genetics/Laboratory Corporation of America, LabCorp and Labcorp Genetics (formerly Invitae), Labcorp).

NM_000020.3(ACVRL1):c.1376C>T (p.Pro459Leu)

Gene: ACVRL1 (activin A receptor like type 1; plus strand). Cytogenetic location: 12q13.13.
Variant type: single nucleotide variant.
Coding change: c.1376C>T on transcript NM_000020.3 (MANE Select); coding-DNA position 1376, C replaced by T.
Protein change: p.Pro459Leu; replaces proline 459 with leucine.
Molecular consequence: missense variant.
Genome position (GRCh38, 1-based): chr12:51,919,114, C>T. VCF-style: chr12-51919114-C-T. GRCh37 (hg19) VCF-style: chr12-52312898-C-T.
Other names: c.1376C>T, p.Pro459Leu (NM_001077401.2); short protein forms P459L.
Identifiers: ClinVar variation 966645 (VCV000966645.6), dbSNP rs767764795, ClinGen allele CA6573128.
Genomic context (GRCh38, chr12:51,919,114, plus strand): 5'-AGAAGGTGGTGTGTGTGGATCAGCAGACCCCCACCATCCCTAACCGGCTGGCTGCAGACC[C>T]GGTGAGGCCTCTGCTGGGACTAGGATGGCGTGGGGTGGTGGCTCATGGCTGGGATTTCTG-3'
Protein context (NP_000011.2, residues 449-469): PTIPNRLAAD[Pro459Leu]VLSGLAQMMR